The following is an entry in ClinVar:

NM_002055.5(GFAP):c.1004G>T (p.Gly335Val)

Gene: GFAP (glial fibrillary acidic protein; minus strand). Cytogenetic location: 17q21.31.
Variant type: single nucleotide variant.
Coding change: c.1004G>T on transcript NM_002055.5 (MANE Select); coding-DNA position 1004, G replaced by T.
Protein change: p.Gly335Val; replaces glycine 335 with valine.
Molecular consequence: missense variant.
Genome position (GRCh38, 1-based): chr17:44,911,359, C>A on the plus strand (G>T on the coding strand, the complement: GFAP is on the minus strand). VCF-style: chr17-44911359-C-A. GRCh37 (hg19) VCF-style: chr17-42988727-C-A.
Other names: c.1004G>T, p.Gly335Val (NM_001131019.3, NM_001242376.3, NM_001363846.2); short protein forms G335V.
Identifiers: ClinVar variation 3342953 (VCV003342953.1).

ClinVar aggregate classification (germline): Uncertain significance (1 of 4 stars; one submission).

gnomAD v4.1: 1 of 1,614,050 alleles (0.000062%); highest among the groups gnomAD compares: African/African-American, 0.0013%; no homozygotes.

Submission:

GeneDx
Classification: Uncertain significance. Last evaluated: 2024-03-28. Review status: criteria provided, single submitter. Criteria: GeneDx Variant Classification Process June 2021. Collection method: clinical testing. Allele origin: germline. Affected: yes.
Comment: In silico analysis supports that this missense variant does not alter protein structure/function; Has not been previously published as pathogenic or benign to our knowledge